The following is an entry in ClinVar:

ClinVar aggregate classification (germline): Pathogenic. Review status: criteria provided, multiple submitters, no conflicts (2 of 4 stars). 2 submissions from 2 submitters: Pathogenic (2). Last evaluated 2026-01-24.

Conditions:
Mucopolysaccharidosis, MPS-III-B (MPS3B). Also called: MPS IIIB (Sanfilippo Syndrome Type B); N-ACETYL-ALPHA-D-GLUCOSAMINIDASE DEFICIENCY; NAGLU DEFICIENCY; SANFILIPPO SYNDROME B; Mucopolysaccharidosis type IIIB (Sanfilippo B); MPS III B. Identifiers: Orphanet 79270, MedGen C0086648, MONDO:0009656, OMIM 252920.
Charcot-Marie-Tooth disease axonal type 2V. Also called: CHARCOT-MARIE-TOOTH NEUROPATHY, TYPE 2V; CHARCOT-MARIE-TOOTH DISEASE, AXONAL, AUTOSOMAL DOMINANT, TYPE 2V. Identifiers: Orphanet 447964, MedGen C5569050, MONDO:0014665, OMIM 616491.

Submissions (2):

Labcorp Genetics (formerly Invitae), Labcorp
Classification: Pathogenic for Charcot-Marie-Tooth disease axonal type 2V; Mucopolysaccharidosis, MPS-III-B. Last evaluated: 2026-01-24. Review status: criteria provided, single submitter. Criteria: Invitae Variant Classification Sherloc (09022015). Collection method: clinical testing. Allele origin: germline.
Comment: This sequence change creates a premature translational stop signal (p.Trp218*) in the NAGLU gene. It is expected to result in an absent or disrupted protein product. Loss-of-function variants in NAGLU are known to be pathogenic (PMID: 9832037, 10094189, 16151907). This variant is present in population databases (no rsID available, gnomAD 0.0009%). This variant has not been reported in the literature in individuals affected with NAGLU-related conditions. ClinVar contains an entry for this variant (Variation ID: 2089369). For these reasons, this variant has been classified as Pathogenic.

Myriad Genetics, Inc.
Classification: Pathogenic for Mucopolysaccharidosis, MPS-III-B. Last evaluated: 2025-01-08. Review status: criteria provided, single submitter. Criteria: Myriad Autosomal Dominant, Autosomal Recessive and X-Linked Classification Criteria (2023). Collection method: clinical testing. Allele origin: unknown.
Comment: NM_000263.3(NAGLU):c.654G>A(W218*) is expected to be pathogenic in the context of mucopolysaccharidosis type IIIB. This variant is predicted to lead to an abnormal or absent protein product due to the creation of a premature termination codon in NAGLU, a gene where loss-of-function variants are known to be pathogenic. Please note: this variant was assessed in the context of healthy population screening.

Literature cited by the submitters: PubMed 9832037 (cited by Labcorp Genetics (formerly Invitae), Labcorp); PubMed 10094189 (cited by Labcorp Genetics (formerly Invitae), Labcorp); PubMed 16151907 (cited by Labcorp Genetics (formerly Invitae), Labcorp).

NM_000263.4(NAGLU):c.654G>A (p.Trp218Ter)

Gene: NAGLU (N-acetyl-alpha-glucosaminidase; plus strand). Cytogenetic location: 17q21.2.
Variant type: single nucleotide variant.
Coding change: c.654G>A on transcript NM_000263.4 (MANE Select); coding-DNA position 654, G replaced by A.
Protein change: p.Trp218Ter; replaces tryptophan 218 with a stop codon.
Molecular consequence: nonsense.
Genome position (GRCh38, 1-based): chr17:42,538,461, G>A. VCF-style: chr17-42538461-G-A. GRCh37 (hg19) VCF-style: chr17-40690479-G-A.
Other names: short protein forms W218*.
Identifiers: ClinVar variation 2089369 (VCV002089369.5), dbSNP rs1262407073, ClinGen allele CA399598707.